The following is an entry in ClinVar:

NM_016169.4(SUFU):c.878T>A (p.Ile293Asn)

Gene: SUFU (SUFU negative regulator of hedgehog signaling; plus strand). Cytogenetic location: 10q24.32.
Variant type: single nucleotide variant.
Coding change: c.878T>A on transcript NM_016169.4 (MANE Select); coding-DNA position 878, T replaced by A.
Protein change: p.Ile293Asn; replaces isoleucine 293 with asparagine.
Molecular consequence: missense variant.
Genome position (GRCh38, 1-based): chr10:102,597,261, T>A. VCF-style: chr10-102597261-T-A. GRCh37 (hg19) VCF-style: chr10-104357018-T-A.
Other names: c.878T>A, p.Ile293Asn (NM_001178133.2); short protein forms I293N.
Identifiers: ClinVar variation 958104 (VCV000958104.12), dbSNP rs1487599100, ClinGen allele CA377910779.

ClinVar aggregate classification (germline): Uncertain significance. Review status: criteria provided, multiple submitters, no conflicts (2 of 4 stars). 3 submissions from 3 submitters: Uncertain significance (3). Last evaluated 2024-12-26.

Conditions:
Hereditary cancer-predisposing syndrome. Also called: Hereditary neoplastic syndrome; Tumor predisposition; Neoplastic Syndromes, Hereditary; Hereditary Cancer Syndrome. Identifiers: Orphanet 140162, MedGen C0027672, MeSH D009386, MONDO:0015356.
Gorlin syndrome. Also called: Basal cell nevus syndrome; Nevoid Basal Cell Carcinoma Syndrome. Identifiers: Orphanet 377, MedGen C0004779, MONDO:0007187.
Medulloblastoma (MDB). Also called: MEDULLOBLASTOMA PREDISPOSITION SYNDROME; Medulloblastoma, somatic. Identifiers: Orphanet 616, MedGen C0025149, MeSH D008527, MONDO:0007959, OMIM 155255, HP:0002885.
Familial meningioma. Also called: Meningioma, familial, susceptibility to. Identifiers: Orphanet 263662, MedGen C3551915, MONDO:0011789, OMIM 607174.

Allele frequency attached by ClinVar (database versions not stated): gnomAD exomes below 0.00001.
gnomAD v4.1: 2 of 1,613,882 alleles (0.00012%); highest among the groups gnomAD compares: Non-Finnish European, 0.00017%; no homozygotes.

Submissions (3):

Labcorp Genetics (formerly Invitae), Labcorp
Classification: Uncertain significance for Gorlin syndrome; Medulloblastoma. Last evaluated: 2024-12-26. Review status: criteria provided, single submitter. Criteria: Invitae Variant Classification Sherloc (09022015). Collection method: clinical testing. Allele origin: germline.
Comment: This sequence change replaces isoleucine, which is neutral and non-polar, with asparagine, which is neutral and polar, at codon 293 of the SUFU protein (p.Ile293Asn). This variant is present in population databases (no rsID available, gnomAD 0.0009%). This variant has not been reported in the literature in individuals affected with SUFU-related conditions. ClinVar contains an entry for this variant (Variation ID: 958104). Invitae Evidence Modeling of protein sequence and biophysical properties (such as structural, functional, and spatial information, amino acid conservation, physicochemical variation, residue mobility, and thermodynamic stability) indicates that this missense variant is not expected to disrupt SUFU protein function with a negative predictive value of 80%. In summary, the available evidence is currently insufficient to determine the role of this variant in disease. Therefore, it has been classified as a Variant of Uncertain Significance.

Ambry Genetics
Classification: Uncertain significance for Hereditary cancer-predisposing syndrome. Last evaluated: 2024-03-09. Review status: criteria provided, single submitter. Criteria: Ambry Variant Classification Scheme 2023. Collection method: clinical testing. Allele origin: germline.
Comment: The p.I293N variant (also known as c.878T>A), located in coding exon 7 of the SUFU gene, results from a T to A substitution at nucleotide position 878. The isoleucine at codon 293 is replaced by asparagine, an amino acid with dissimilar properties. This amino acid position is conserved. In addition, this alteration is predicted to be tolerated by in silico analysis. Based on the available evidence, the clinical significance of this alteration remains unclear.

Baylor Genetics
Classification: Uncertain significance for Familial meningioma. Last evaluated: 2024-01-30. Review status: criteria provided, single submitter. Criteria: ACMG Guidelines, 2015. Collection method: clinical testing. Allele origin: unknown.